The following is an entry in ClinVar:

ClinVar aggregate classification (germline): Conflicting classifications of pathogenicity. Review status: criteria provided, conflicting classifications (1 of 4 stars). 2 submissions from 2 submitters: Uncertain significance (1); Likely benign (1). Last evaluated 2025-01-23.

Conditions:
Hereditary cancer-predisposing syndrome. Also called: Hereditary neoplastic syndrome; Tumor predisposition; Neoplastic Syndromes, Hereditary; Hereditary Cancer Syndrome. Identifiers: Orphanet 140162, MedGen C0027672, MeSH D009386, MONDO:0015356.
Cardiovascular phenotype. Identifiers: MedGen CN230736.
Neurofibromatosis, type 1 (NF1). Also called: Peripheral type neurofibromatosis; VON RECKLINGHAUSEN DISEASE; NEUROFIBROMATOSIS, TYPE I, SOMATIC; Neurofibromatosis, type I. Identifiers: Orphanet 636, MedGen C0027831, MONDO:0018975, OMIM 162200. Disease mechanism: loss of function.

gnomAD v4.1: 1 of 1,613,854 alleles (0.000062%); no homozygotes.

Submissions (2):

Labcorp Genetics (formerly Invitae), Labcorp
Classification: Uncertain significance for Neurofibromatosis, type 1. Last evaluated: 2025-01-23. Review status: criteria provided, single submitter. Criteria: Invitae Variant Classification Sherloc (09022015). Collection method: clinical testing. Allele origin: germline.
Comment: This sequence change replaces cysteine, which is neutral and slightly polar, with serine, which is neutral and polar, at codon 721 of the NF1 protein (p.Cys721Ser). This variant is not present in population databases (gnomAD no frequency). This variant has not been reported in the literature in individuals affected with NF1-related conditions. ClinVar contains an entry for this variant (Variation ID: 961370). Invitae Evidence Modeling of protein sequence and biophysical properties (such as structural, functional, and spatial information, amino acid conservation, physicochemical variation, residue mobility, and thermodynamic stability) indicates that this missense variant is not expected to disrupt NF1 protein function with a negative predictive value of 95%. In summary, the available evidence is currently insufficient to determine the role of this variant in disease. Therefore, it has been classified as a Variant of Uncertain Significance.

Ambry Genetics
Classification: Likely benign for Cardiovascular phenotype; Hereditary cancer-predisposing syndrome. Last evaluated: 2024-03-14. Review status: criteria provided, single submitter. Criteria: Ambry Variant Classification Scheme 2023. Collection method: clinical testing. Allele origin: germline.

NM_001042492.3(NF1):c.2161T>A (p.Cys721Ser)

Gene: NF1 (neurofibromin 1; plus strand). Cytogenetic location: 17q11.2.
Variant type: single nucleotide variant.
Coding change: c.2161T>A on transcript NM_001042492.3 (MANE Select); coding-DNA position 2161, T replaced by A.
Protein change: p.Cys721Ser; replaces cysteine 721 with serine.
Molecular consequence: missense variant.
Genome position (GRCh38, 1-based): chr17:31,226,594, T>A. VCF-style: chr17-31226594-T-A. GRCh37 (hg19) VCF-style: chr17-29553612-T-A.
Other names: c.2161T>A, p.Cys721Ser (NM_000267.4); short protein forms C721S.
Identifiers: ClinVar variation 961370 (VCV000961370.9), dbSNP rs1597712637, ClinGen allele CA398982390.
Genomic context (GRCh38, chr17:31,226,594, plus strand): 5'-GAAGCTGTTCTGGTTGCCATGTCCTGTTTCCGCCACCTCTGTGAGGAAGCAGATATCCGG[T>A]GTGGGGTGGATGAAGTGTCAGTGCATAACCTCTTGCCCAACTATAACACATTCATGGAGT-3'
Protein context (NP_001035957.1, residues 711-731): RHLCEEADIR[Cys721Ser]GVDEVSVHNL